The following is an entry in ClinVar:

ClinVar aggregate classification (germline): Uncertain significance (1 of 4 stars; one submission).

Allele frequency attached by ClinVar (database versions not stated): ESP Exome Variant Server 0.00008.

Submission:

Labcorp Genetics (formerly Invitae), Labcorp
Classification: Uncertain significance. Last evaluated: 2023-01-20. Review status: criteria provided, single submitter. Criteria: Invitae Variant Classification Sherloc (09022015). Collection method: clinical testing. Allele origin: germline.
Comment: This sequence change replaces threonine, which is neutral and polar, with isoleucine, which is neutral and non-polar, at codon 4351 of the USH2A protein (p.Thr4351Ile). This variant is present in population databases (rs79180293, gnomAD 0.0009%). This variant has not been reported in the literature in individuals affected with USH2A-related conditions. Advanced modeling of protein sequence and biophysical properties (such as structural, functional, and spatial information, amino acid conservation, physicochemical variation, residue mobility, and thermodynamic stability) performed at Invitae indicates that this missense variant is expected to disrupt USH2A protein function. In summary, the available evidence is currently insufficient to determine the role of this variant in disease. Therefore, it has been classified as a Variant of Uncertain Significance.

NM_206933.4(USH2A):c.13052C>T (p.Thr4351Ile)

Gene: USH2A (usherin; minus strand). Cytogenetic location: 1q41.
Variant type: single nucleotide variant.
Coding change: c.13052C>T on transcript NM_206933.4 (MANE Select); coding-DNA position 13052, C replaced by T.
Protein change: p.Thr4351Ile; replaces threonine 4351 with isoleucine.
Molecular consequence: missense variant.
Genome position (GRCh38, 1-based): chr1:215,674,859, G>A on the plus strand (C>T on the coding strand, the complement: USH2A is on the minus strand). VCF-style: chr1-215674859-G-A. GRCh37 (hg19) VCF-style: chr1-215848201-G-A.
Other names: short protein forms T4351I.
Identifiers: ClinVar variation 2829551 (VCV002829551.3), dbSNP rs79180293, ClinGen allele CA1393361.